The following is an entry in ClinVar:

NM_000287.4(PEX6):c.777T>C (p.Ser259=)

Gene: PEX6 (peroxisomal biogenesis factor 6; minus strand). Cytogenetic location: 6p21.1.
Variant type: single nucleotide variant.
Coding change: c.777T>C on transcript NM_000287.4 (MANE Select); coding-DNA position 777, T replaced by C.
Protein change: p.Ser259=; no amino-acid change (serine 259 retained).
Molecular consequence: synonymous variant. On other transcripts: non-coding transcript variant (1), intron variant (1).
Genome position (GRCh38, 1-based): chr6:42,978,374, A>G on the plus strand (T>C on the coding strand, the complement: PEX6 is on the minus strand). VCF-style: chr6-42978374-A-G. GRCh37 (hg19) VCF-style: chr6-42946112-A-G.
Other names: c.618+159T>C (NM_001316313.2); c.777T>C (NM_000287.3).
Identifiers: ClinVar variation 1563465 (VCV001563465.9), dbSNP rs1229021041, ClinGen allele CA450366195.
Genomic context (GRCh38, chr6:42,978,374, plus strand): 5'-AAAAGCCAAAGTGGCAGGGACAAGCGCCAGTCCGTCAGCGAGGGGCTCTCCCAGCGGTCC[A>G]GAGCCGGGTCCCAGTCTATCAGAGAGGTCCCAGCGAGGTTCTAGGACCTGCACCCTAGCC-3'
Protein context (NP_000278.3, residues 249-269): WDLSDRLGPG[Ser259=]GPLGEPLADG

ClinVar aggregate classification (germline): Likely benign. Review status: criteria provided, multiple submitters, no conflicts (2 of 4 stars). 2 submissions from 2 submitters: Likely benign (2). Last evaluated 2025-11-30.

Conditions:
PEX6-related disorder. Also called: PEX6-related condition; PEX6-related disorders.
Peroxisome biogenesis disorder. Identifiers: Orphanet 79189, MedGen C1832200, MONDO:0019234. Disease mechanism: loss of function.

Allele frequency attached by ClinVar (database versions not stated): gnomAD exomes below 0.00001; gnomAD 0.00001; TOPMed 0.00001.
gnomAD v4.1: 3 of 1,614,114 alleles (0.00019%); highest among the groups gnomAD compares: African/African-American, 0.004%; no homozygotes.

Submissions (2):

PreventionGenetics, part of Exact Sciences
Classification: Likely benign for PEX6-related condition. Last evaluated: 2025-11-30. Review status: criteria provided, single submitter. Criteria: ACMG Guidelines, 2015. Collection method: clinical testing. Allele origin: germline.
Comment: This variant is classified as likely benign based on ACMG/AMP sequence variant interpretation guidelines (Richards et al. 2015 PMID: 25741868, with internal and published modifications).

Labcorp Genetics (formerly Invitae), Labcorp
Classification: Likely benign for Peroxisome biogenesis disorder. Last evaluated: 2025-04-03. Review status: criteria provided, single submitter. Criteria: Invitae Variant Classification Sherloc (09022015). Collection method: clinical testing. Allele origin: germline.